The following is an entry in ClinVar:

NM_001105206.3(LAMA4):c.2493+20A>T

Gene: LAMA4 (laminin subunit alpha 4; minus strand). Cytogenetic location: 6q21.
Variant type: single nucleotide variant.
Coding change: c.2493+20A>T on transcript NM_001105206.3 (MANE Select); 20 bases into the intron after coding-DNA position 2493, A replaced by T.
Molecular consequence: intron variant.
Genome position (GRCh38, 1-based): chr6:112,144,774, T>A on the plus strand (A>T on the coding strand, the complement: LAMA4 is on the minus strand). VCF-style: chr6-112144774-T-A. GRCh37 (hg19) VCF-style: chr6-112465976-T-A.
Other names: c.2472+20A>T (NM_002290.5, NM_001105207.3, LRG_433t2).
Identifiers: ClinVar variation 380602 (VCV000380602.9), dbSNP rs143397006, ClinGen allele CA3965473.

ClinVar aggregate classification (germline): Benign. Review status: criteria provided, multiple submitters, no conflicts (2 of 4 stars). 2 submissions from 2 submitters: Benign (2). Last evaluated 2026-01-27.

Conditions:
Dilated cardiomyopathy 1JJ (CMD1JJ). Identifiers: Orphanet 154, MedGen C3808935, MONDO:0014095, OMIM 615235.

Allele frequency attached by ClinVar (database versions not stated): gnomAD exomes 0.00003 and 0.00009; ExAC 0.00013; TOPMed 0.00037; gnomAD 0.00039 and 0.00040; ESP Exome Variant Server 0.00046; 1000 Genomes Project 30x 0.00078; 1000 Genomes Project 0.00080.
gnomAD v4.1: 110 of 1,612,284 alleles (0.0068%); highest among the groups gnomAD compares: African/African-American, 0.13%; 1 homozygote.

Submissions (2):

Labcorp Genetics (formerly Invitae), Labcorp
Classification: Benign for Dilated cardiomyopathy 1JJ. Last evaluated: 2026-01-27. Review status: criteria provided, single submitter. Criteria: Invitae Variant Classification Sherloc (09022015). Collection method: clinical testing. Allele origin: germline.

GeneDx
Classification: Benign. Last evaluated: 2015-09-22. Review status: criteria provided, single submitter. Criteria: GeneDx Variant Classification (06012015). Collection method: clinical testing. Allele origin: germline. Affected: yes.
Comment: This variant is considered likely benign or benign based on one or more of the following criteria: it is a conservative change, it occurs at a poorly conserved position in the protein, it is predicted to be benign by multiple in silico algorithms, and/or has population frequency not consistent with disease.